The following is an entry in ClinVar:

ClinVar aggregate classification (germline): Benign/Likely benign. Review status: criteria provided, multiple submitters, no conflicts (2 of 4 stars). 3 submissions from 3 submitters: Benign (1); Likely benign (2). Last evaluated 2026-09-24.

Conditions:
Neurofibromatosis, type 1 (NF1). Also called: NEUROFIBROMATOSIS, TYPE I, SOMATIC; Neurofibromatosis, type I; VON RECKLINGHAUSEN DISEASE; Peripheral type neurofibromatosis. Identifiers: Orphanet 636, MedGen C0027831, MONDO:0018975, OMIM 162200. Disease mechanism: loss of function.
Cardiovascular phenotype. Identifiers: MedGen CN230736.
Hereditary cancer-predisposing syndrome. Also called: Neoplastic Syndromes, Hereditary; Tumor predisposition; Hereditary Cancer Syndrome; Hereditary neoplastic syndrome. Identifiers: Orphanet 140162, MedGen C0027672, MeSH D009386, MONDO:0015356.

Allele frequency attached by ClinVar (database versions not stated): ExAC 0.00001.
gnomAD v4.1: 1 of 1,614,084 alleles (0.000062%); highest among the groups gnomAD compares: Admixed American, 0.0017%; no homozygotes.

Submissions (3):

Myriad Genetics, Inc.
Classification: Benign for Neurofibromatosis, type 1. Last evaluated: 2026-09-24. Review status: criteria provided, single submitter. Criteria: Myriad Autosomal Dominant, Autosomal Recessive and X-Linked Classification Criteria (2023). Collection method: clinical testing. Allele origin: unknown.
Comment: This variant is considered benign. This variant is a silent/synonymous amino acid change and it is not expected to impact splicing.

Labcorp Genetics (formerly Invitae), Labcorp
Classification: Likely benign for Neurofibromatosis, type 1. Last evaluated: 2024-05-22. Review status: criteria provided, single submitter. Criteria: Invitae Variant Classification Sherloc (09022015). Collection method: clinical testing. Allele origin: germline.

Ambry Genetics
Classification: Likely benign for Cardiovascular phenotype; Hereditary cancer-predisposing syndrome. Last evaluated: 2023-09-14. Review status: criteria provided, single submitter. Criteria: Ambry Variant Classification Scheme 2023. Collection method: clinical testing. Allele origin: germline.

NM_001042492.3(NF1):c.6576T>C (p.Tyr2192=)

Gene: NF1 (neurofibromin 1; plus strand). Cytogenetic location: 17q11.2.
Variant type: single nucleotide variant.
Coding change: c.6576T>C on transcript NM_001042492.3 (MANE Select); coding-DNA position 6576, T replaced by C.
Protein change: p.Tyr2192=; no amino-acid change (tyrosine 2192 retained).
Molecular consequence: synonymous variant.
Genome position (GRCh38, 1-based): chr17:31,337,516, T>C. VCF-style: chr17-31337516-T-C. GRCh37 (hg19) VCF-style: chr17-29664534-T-C.
Other names: c.6513T>C, p.Tyr2171= (NM_000267.4).
Identifiers: ClinVar variation 1547867 (VCV001547867.10), dbSNP rs758917402, ClinGen allele CA8487369.